The following is an entry in ClinVar:

NM_001371928.1(AHDC1):c.2453G>A (p.Ser818Asn)

Gene: AHDC1 (AT-hook DNA binding motif containing 1; minus strand). Cytogenetic location: 1p36.11.
Variant type: single nucleotide variant.
Coding change: c.2453G>A on transcript NM_001371928.1 (MANE Select); coding-DNA position 2453, G replaced by A.
Protein change: p.Ser818Asn; replaces serine 818 with asparagine.
Molecular consequence: missense variant.
Genome position (GRCh38, 1-based): chr1:27,549,663, C>T on the plus strand (G>A on the coding strand, the complement: AHDC1 is on the minus strand). VCF-style: chr1-27549663-C-T. GRCh37 (hg19) VCF-style: chr1-27876174-C-T.
Other names: c.2453G>A, p.Ser818Asn (NM_001029882.3); short protein forms S818N.
Identifiers: ClinVar variation 1388383 (VCV001388383.6), dbSNP rs1181572208, ClinGen allele CA339230496.

ClinVar aggregate classification (germline): Uncertain significance (1 of 4 stars; one submission).

Allele frequency attached by ClinVar (database versions not stated): gnomAD exomes below 0.00001; gnomAD 0.00001; TOPMed 0.00001.
gnomAD v4.1: 4 of 1,613,014 alleles (0.00025%); highest among the groups gnomAD compares: Admixed American, 0.0033%; no homozygotes.

Submission:

Labcorp Genetics (formerly Invitae), Labcorp
Classification: Uncertain significance. Last evaluated: 2024-11-24. Review status: criteria provided, single submitter. Criteria: Invitae Variant Classification Sherloc (09022015). Collection method: clinical testing. Allele origin: germline.
Comment: This sequence change replaces serine, which is neutral and polar, with asparagine, which is neutral and polar, at codon 818 of the AHDC1 protein (p.Ser818Asn). This variant is present in population databases (no rsID available, gnomAD 0.003%). This variant has not been reported in the literature in individuals affected with AHDC1-related conditions. ClinVar contains an entry for this variant (Variation ID: 1388383). An algorithm developed to predict the effect of missense changes on protein structure and function (PolyPhen-2) suggests that this variant is likely to be tolerated. In summary, the available evidence is currently insufficient to determine the role of this variant in disease. Therefore, it has been classified as a Variant of Uncertain Significance.